The following is an entry in ClinVar:

ClinVar aggregate classification (germline): Uncertain significance (1 of 4 stars; one submission).

Conditions:
Epilepsy, childhood absence, susceptibility to, 1. Also called: Epilepsy, childhood absence 1. Identifiers: Orphanet 64280, MedGen C1838604, MONDO:0020759, OMIM 600131.
Epilepsy, childhood absence, susceptibility to, 5. Identifiers: Orphanet 64280, MedGen C2677087, MONDO:0012843, OMIM 612269.

Submission:

Labcorp Genetics (formerly Invitae), Labcorp
Classification: Uncertain significance for Epilepsy, childhood absence, susceptibility to, 5; Epilepsy, childhood absence, susceptibility to, 1. Last evaluated: 2023-12-02. Review status: criteria provided, single submitter. Criteria: Invitae Variant Classification Sherloc (09022015). Collection method: clinical testing. Allele origin: germline.
Comment: This sequence change replaces leucine, which is neutral and non-polar, with valine, which is neutral and non-polar, at codon 462 of the GABRB3 protein (p.Leu462Val). This variant is not present in population databases (gnomAD no frequency). This variant has not been reported in the literature in individuals affected with GABRB3-related conditions. Advanced modeling of protein sequence and biophysical properties (such as structural, functional, and spatial information, amino acid conservation, physicochemical variation, residue mobility, and thermodynamic stability) performed at Invitae indicates that this missense variant is not expected to disrupt GABRB3 protein function with a negative predictive value of 95%. In summary, the available evidence is currently insufficient to determine the role of this variant in disease. Therefore, it has been classified as a Variant of Uncertain Significance.

NM_000814.6(GABRB3):c.1384C>G (p.Leu462Val)

Gene: GABRB3 (gamma-aminobutyric acid type A receptor subunit beta3; minus strand). Cytogenetic location: 15q12.
Variant type: single nucleotide variant.
Coding change: c.1384C>G on transcript NM_000814.6 (MANE Select); coding-DNA position 1384, C replaced by G.
Protein change: p.Leu462Val; replaces leucine 462 with valine.
Molecular consequence: missense variant.
Genome position (GRCh38, 1-based): chr15:26,547,831, G>C on the plus strand (C>G on the coding strand, the complement: GABRB3 is on the minus strand). VCF-style: chr15-26547831-G-C. GRCh37 (hg19) VCF-style: chr15-26792978-G-C.
Other names: c.1129C>G, p.Leu377Val (NM_001191320.2, NM_001278631.2); c.1171C>G, p.Leu391Val (NM_001191321.3); c.1384C>G, p.Leu462Val (NM_021912.5); short protein forms L377V, L391V, L462V.
Identifiers: ClinVar variation 2950506 (VCV002950506.3), dbSNP rs2504113799, ClinGen allele CA391458469.